The following is an entry in ClinVar:

NM_001205293.3(CACNA1E):c.4881+6C>T

Gene: CACNA1E (calcium voltage-gated channel subunit alpha1 E; plus strand). Cytogenetic location: 1q25.3.
Variant type: single nucleotide variant.
Coding change: c.4881+6C>T on transcript NM_001205293.3 (MANE Select); 6 bases into the intron after coding-DNA position 4881, C replaced by T.
Molecular consequence: intron variant.
Genome position (GRCh38, 1-based): chr1:181,766,617, C>T. VCF-style: chr1-181766617-C-T. GRCh37 (hg19) VCF-style: chr1-181735753-C-T.
Other names: c.4881+6C>T (NM_000721.4); c.4824+6C>T (NM_001205294.2).
Identifiers: ClinVar variation 3696587 (VCV003696587.2).

ClinVar aggregate classification (germline): Uncertain significance (1 of 4 stars; one submission).

gnomAD v4.1: 5 of 1,609,058 alleles (0.00031%); highest among the groups gnomAD compares: South Asian, 0.0011%; no homozygotes.

Submission:

Labcorp Genetics (formerly Invitae), Labcorp
Classification: Uncertain significance. Last evaluated: 2024-04-03. Review status: criteria provided, single submitter. Criteria: Invitae Variant Classification Sherloc (09022015). Collection method: clinical testing. Allele origin: germline.
Comment: This sequence change falls in intron 35 of the CACNA1E gene. It does not directly change the encoded amino acid sequence of the CACNA1E protein. It affects a nucleotide within the consensus splice site. This variant is not present in population databases (gnomAD no frequency). This variant has not been reported in the literature in individuals affected with CACNA1E-related conditions. Variants that disrupt the consensus splice site are a relatively common cause of aberrant splicing (PMID: 17576681, 9536098). Algorithms developed to predict the effect of sequence changes on RNA splicing suggest that this variant is not likely to affect RNA splicing. In summary, the available evidence is currently insufficient to determine the role of this variant in disease. Therefore, it has been classified as a Variant of Uncertain Significance.

Literature cited by the submitters: PubMed 17576681; PubMed 9536098.